The following is an entry in ClinVar:

NM_017777.4(MKS1):c.857A>G (p.Asp286Gly)

Gene: MKS1 (MKS transition zone complex subunit 1; minus strand). Cytogenetic location: 17q22.
Variant type: single nucleotide variant.
Coding change: c.857A>G on transcript NM_017777.4 (MANE Select); coding-DNA position 857, A replaced by G.
Protein change: p.Asp286Gly; replaces aspartic acid 286 with glycine.
Molecular consequence: missense variant.
Genome position (GRCh38, 1-based): chr17:58,212,983, T>C on the plus strand (A>G on the coding strand, the complement: MKS1 is on the minus strand). VCF-style: chr17-58212983-T-C. GRCh37 (hg19) VCF-style: chr17-56290344-T-C.
Other names: c.248A>G, p.Asp83Gly (NM_001321268.2); c.857A>G, p.Asp286Gly (NM_001321269.2, NM_001330397.2); short protein forms D286G, D83G.
Identifiers: ClinVar variation 445724 (VCV000445724.38), dbSNP rs151023718, ClinGen allele CA8669389.

ClinVar aggregate classification (germline): Uncertain significance. Review status: criteria provided, multiple submitters, no conflicts (2 of 4 stars). 18 submissions from 17 submitters: Uncertain significance (14). 4 of the submissions do not count toward it. Last evaluated 2026-04-06.

Conditions:
MKS1-related disorder. Also called: MKS1-related disorders; MKS1-related condition. Identifiers: MedGen CN239382.
Bardet-Biedl syndrome 13 (BBS13). Identifiers: Orphanet 110, MedGen C2673873, MONDO:0014441, OMIM 615990.
Joubert syndrome 28 (JBTS28). Identifiers: MedGen C4310705, MONDO:0014928, OMIM 617121.
Meckel syndrome, type 1 (MKS1). Also called: MECKEL-GRUBER SYNDROME, TYPE 1. Identifiers: Orphanet 564, MedGen C3714506, MONDO:0009571, OMIM 249000.
Meckel-Gruber syndrome. Also called: Dysencephalia splachnocystica; DYSENCEPHALIA SPLANCHNOCYSTICA; GRUBER SYNDROME. Identifiers: Orphanet 564, MedGen C0265215, MONDO:0018921.
Joubert syndrome. Also called: Familial aplasia of the vermis; JOUBERT-BOLTSHAUSER SYNDROME. Identifiers: Orphanet 475, MedGen C5979921, MONDO:0018772.

Allele frequency attached by ClinVar (database versions not stated): gnomAD exomes 0.00051; ExAC 0.00053; 1000 Genomes Project 0.00060; 1000 Genomes Project 30x 0.00062; gnomAD 0.00083 and 0.00084; ESP Exome Variant Server 0.00096; TOPMed 0.00096.
gnomAD v4.1: 1,486 of 1,613,966 alleles (0.092%); highest among the groups gnomAD compares: Non-Finnish European, 0.12%; 2 homozygotes.

Submissions 1 to 11 of 26:

PreventionGenetics, part of Exact Sciences
Classification: Uncertain significance for MKS1-related condition. Last evaluated: 2026-04-06. Review status: criteria provided, single submitter. Criteria: ACMG Guidelines, 2015. Collection method: clinical testing. Allele origin: germline.
Comment: The MKS1 c.857A>G variant is predicted to result in the amino acid substitution p.Asp286Gly. This variant has previously been identified in several individuals affected with ciliopathies (see, for example, Leitch et al. 2008. PubMed ID: 18327255; Otto et al. 2010. PubMed ID: 21068128; Davis et al. 2011. PubMed ID: 21258341; Haer-Wigman et al. 2017. PubMed ID: 28224992; Table S5, Martin-Merida et al. 2019. PubMed ID: 30902645). However, a second likely causative variant was not found in MKS1 in these cases. This variant has also been reported in a patient with hereditary vison loss (Table S12, Diñeiro et al. 2020. PubMed ID: 32483926). Mutant rescue experiments in zebrafish embryos with p.Asp286Gly resulted in only partial rescue, suggesting that this variant is a hypomorph in this artificial system (Leitch et al. 2008. PubMed ID: 18327255). However, the clinical significance of this rescue experiment is unclear. Splice-site prediction programs suggest that the c.857A>G variant may interfere with normal splicing (SpliceAI, Jaganathan et al. 2019. PubMed ID: 30661751). This variant is reported in 0.099% of alleles in individuals of European (Non-Finnish) descent in gnomAD. At this time, the clinical significance of this variant is uncertain due to the absence of conclusive functional and genetic evidence.

Genetic Services Laboratory, University of Chicago
Classification: Uncertain significance. Last evaluated: 2025-08-29. Review status: criteria provided, single submitter. Criteria: ACMG Guidelines, 2015. Collection method: clinical testing. Allele origin: germline.
Comment: DNA sequence analysis of the MKS1 gene demonstrated a sequence change, c.857A>G, in exon 8 that results in an amino acid change, p.Asp286Gly. This sequence change does not appear to have been previously described in individuals with nephronophthisis, Bardet-Biedl syndrome, Leber Congenital Amaurosis and a developmental eye defect (PMID:18327255,27353947,28224992,19430481). Experimental studies indicate this variant has a moderate effect on protein function (PMID:18327255). This sequence change has been described in the gnomAD database with a frequency of 0.09% in the European subpopulation (dbSNP rs151023718). The p.Asp286Gly change affects a highly conserved amino acid residue located in a domain of the MKS1 protein that is not known to be functional. The p.Asp286Gly substitution appears to be deleterious using several in-silico pathogenicity prediction tools (SIFT, PolyPhen2, Align GVGD, REVEL). Due to insufficient evidences and the lack of functional studies, the clinical significance of the p.Asp286Gly change remains unknown at this time.

Women's Health and Genetics/Laboratory Corporation of America, LabCorp
Classification: Uncertain significance. Last evaluated: 2025-08-12. Review status: criteria provided, single submitter. Criteria: LabCorp Variant Classification Summary - May 2015. Collection method: clinical testing. Allele origin: germline.
Comment: Variant summary: MKS1 c.857A>G (p.Asp286Gly) results in a non-conservative amino acid change in the encoded protein sequence. Algorithms developed to predict the effect of missense changes on protein structure and function are either unavailable or do not agree on the potential impact of this missense change. Several computational tools predict a significant impact on normal splicing: Three predict the variant weakens the canonical 5' donor site. One predict the variant abolishes the canonical 5' splicing donor site. However, these predictions have yet to be confirmed by functional studies. The variant allele was found at a frequency of 0.00051 in 249582 control chromosomes, predominantly at a frequency of 0.001 within the Non-Finnish European subpopulation in the gnomAD database. This frequency is not significantly higher than estimated for a pathogenic variant in MKS1 causing Meckel Syndrome Type 1 (0.00051 vs 0.0011), allowing no conclusion about variant significance. c.857A>G has been reported in the literature in individuals affected with Meckel Syndrome Type 1 or related disorders (examples, Leitch_2008, Otto_2011, Davis_2011). These reports do not provide unequivocal conclusions about association of the variant with Meckel Syndrome Type 1. At least one publication reports experimental evidence evaluating an impact on protein function and suggested that this variant was hypomorphic (Leitch_2008). The following publications have been ascertained in the context of this evaluation (PMID: 21258341, 32483926, 28224992, 18327255, 21068128, 27353947). ClinVar contains an entry for this variant (Variation ID: 445724). Based on the evidence outlined above, the variant was classified as uncertain significance.

Blueprint Genetics
Classification: Uncertain significance. Last evaluated: 2024-11-14. Review status: criteria provided, single submitter. Criteria: ACMG Guidelines, 2015. Collection method: clinical testing. Allele origin: germline.

Fulgent Genetics
Classification: Uncertain significance for Meckel syndrome, type 1; Bardet-Biedl syndrome 13; Joubert syndrome 28. Last evaluated: 2024-01-10. Review status: criteria provided, single submitter. Criteria: ACMG Guidelines, 2015. Collection method: clinical testing. Allele origin: germline.

GeneDx
Classification: Uncertain significance. Last evaluated: 2023-05-15. Review status: criteria provided, single submitter. Criteria: GeneDx Variant Classification Process June 2021. Collection method: clinical testing. Allele origin: germline. Affected: yes.
Comment: Reported in the heterozygous state in patients with nephronophthisis, Bardet-Biedl syndrome, and a developmental eye defect with no second MKS1 variant reported (Leitch et al., 2008; Otto et al., 2011; Haer-Wigman et al., 2017); Reported in the heterozygous state in a patient with Bardet-Biedl who was also heterozygous for a variant in the RPGRIP1L gene (Khanna et al., 2009); Functional studies indicate this variant has a moderate effect on protein function and is a hypomorphic variant (Leitch et al., 2008); In silico analysis supports that this missense variant has a deleterious effect on protein structure/function; This variant is associated with the following publications: (PMID: 25966130, 19430481, 28224992, 21068128, 21258341, 30718709, 31139930, 18327255, 34426522, 34573333, 32483926)

Labcorp Genetics (formerly Invitae), Labcorp
Classification: Uncertain significance for Joubert syndrome; Meckel-Gruber syndrome. Last evaluated: 2022-10-25. Review status: criteria provided, single submitter. Criteria: Invitae Variant Classification Sherloc (09022015). Collection method: clinical testing. Allele origin: germline.
Comment: This sequence change replaces aspartic acid, which is acidic and polar, with glycine, which is neutral and non-polar, at codon 286 of the MKS1 protein (p.Asp286Gly). This variant is present in population databases (rs151023718, gnomAD 0.1%), and has an allele count higher than expected for a pathogenic variant. This missense change has been observed in individual(s) with ciliopathies (PMID: 18327255, 21068128, 21258341, 28224992). ClinVar contains an entry for this variant (Variation ID: 445724). Algorithms developed to predict the effect of missense changes on protein structure and function are either unavailable or do not agree on the potential impact of this missense change (SIFT: "Tolerated"; PolyPhen-2: "Possibly Damaging"; Align-GVGD: "Class C0"). Experimental studies have shown that this missense change affects MKS1 function (PMID: 18327255). Algorithms developed to predict the effect of sequence changes on RNA splicing suggest that this variant may create or strengthen a splice site. In summary, the available evidence is currently insufficient to determine the role of this variant in disease. Therefore, it has been classified as a Variant of Uncertain Significance.

New York Genome Center
Classification: Uncertain significance for Bardet-Biedl syndrome 13; Joubert syndrome 28; Meckel syndrome, type 1. Last evaluated: 2021-09-10. Review status: criteria provided, single submitter. Criteria: NYGC Assertion Criteria 2020. Collection method: clinical testing. Allele origin: germline. Observed: 1 heterozygote.

Mendelics
Classification: Uncertain significance for Bardet-Biedl syndrome 13. Last evaluated: 2019-05-28. Review status: criteria provided, single submitter. Criteria: Mendelics Assertion Criteria 2017. Collection method: clinical testing. Allele origin: unknown.

Eurofins Ntd Llc (ga)
Classification: Uncertain significance. Last evaluated: 2018-05-08. Review status: criteria provided, single submitter. Criteria: EGL ClinVar v180209 classification definitions. Collection method: clinical testing. Allele origin: germline. Observed: 8 variant alleles, 8 heterozygotes.

Center for Pediatric Genomic Medicine, Children's Mercy Hospital and Clinics
Classification: Uncertain significance. Last evaluated: 2017-09-11. Review status: criteria provided, single submitter. Criteria: ACMG Guidelines, 2015. Collection method: clinical testing. Allele origin: germline.